The following is an entry in ClinVar:

ClinVar aggregate classification (germline): Uncertain significance (1 of 4 stars; one submission).

Submission:

Ambry Genetics
Classification: Uncertain significance. Last evaluated: 2025-06-10. Review status: criteria provided, single submitter. Criteria: Ambry Variant Classification Scheme 2023. Collection method: clinical testing. Allele origin: germline.
Comment: The p.V292M variant (also known as c.874G>A), located in coding exon 3 of the WNK2 gene, results from a G to A substitution at nucleotide position 874. The valine at codon 292 is replaced by methionine, an amino acid with highly similar properties. This amino acid position is conserved. In addition, this alteration is predicted to be tolerated by in silico analysis. Based on the available evidence, the clinical significance of this variant remains unclear.

NM_006648.4(WNK2):c.874G>A (p.Val292Met)

Gene: WNK2 (WNK lysine deficient protein kinase 2; plus strand). Cytogenetic location: 9q22.31.
Variant type: single nucleotide variant.
Coding change: c.874G>A on transcript NM_006648.4 (MANE Select); coding-DNA position 874, G replaced by A.
Protein change: p.Val292Met; replaces valine 292 with methionine.
Molecular consequence: missense variant.
Genome position (GRCh38, 1-based): chr9:93,230,907, G>A. VCF-style: chr9-93230907-G-A. GRCh37 (hg19) VCF-style: chr9-95993189-G-A.
Other names: c.874G>A, p.Val292Met (NM_001282394.3); short protein forms V292M.
Identifiers: ClinVar variation 3982204 (VCV003982204.1).
Genomic context (GRCh38, chr9:93,230,907, plus strand): 5'-CGGCGAGCTGCTTGGTGAGCTGTGCCCGTGAACCCCTGCAGATACCTGAAGCGGTTCAAG[G>A]TGATGAAGCCCAAGGTTCTCCGCAGCTGGTGCCGGCAGATCCTGAAGGGCCTGCTGTTCC-3'
Protein context (NP_006639.3, residues 282-302): TLKTYLKRFK[Val292Met]MKPKVLRSWC